The following is an entry in ClinVar:

ClinVar aggregate classification (germline): Uncertain significance (1 of 4 stars; one submission).

Conditions:
Neurodevelopmental disorder with hypotonia and brain abnormalities. Identifiers: MedGen C5561977, MONDO:0859187, OMIM 619512.

gnomAD v4.1: 24 of 1,613,218 alleles (0.0015%); highest among the groups gnomAD compares: Middle Eastern, 0.017%; no homozygotes.

Submission:

Pittsburgh Clinical Genomics Laboratory, University of Pittsburgh Medical Center
Classification: Uncertain significance for Neurodevelopmental disorder with hypotonia and brain abnormalities. Last evaluated: 2023-11-24. Review status: criteria provided, single submitter. Criteria: ACMG Guidelines, 2015. Collection method: clinical testing. Allele origin: germline. Inheritance: Autosomal unknown. Affected: yes.
Comment: This sequence variant is a single nucleotide substitution (A>G) at position 50 of the coding sequence of the CLCN3 gene that results in an asparagine to serine amino acid change at residue 17 of the chloride voltage-gated channel 3 protein. This variant is absent from ClinVar and has not been observed in individuals affected by a CLCN3-related disorder in the published literature, to our knowledge. This variant is present in 8 of 250644 alleles (0.0032%) in the gnomAD population dataset. Multiple bioinformatic tools predict that this Asn to Ser amino acid change would be neutral, and the Asn17 residue at this position is highly conserved across the vertebrate species examined. Studies examining the functional consequence of this variant have not been published, to our knowledge. At this time, there is insufficient evidence to determine if this variant is pathogenic or benign. Therefore, we consider this a variant of uncertain significance. ACMG Criteria: BP4, PM2

NM_001829.4(CLCN3):c.50A>G (p.Asn17Ser)

Gene: CLCN3 (chloride voltage-gated channel 3; plus strand). Cytogenetic location: 4q33.
Variant type: single nucleotide variant.
Coding change: c.50A>G on transcript NM_001829.4 (MANE Select); coding-DNA position 50, A replaced by G.
Protein change: p.Asn17Ser; replaces asparagine 17 with serine.
Molecular consequence: missense variant.
Genome position (GRCh38, 1-based): chr4:169,635,978, A>G. VCF-style: chr4-169635978-A-G. GRCh37 (hg19) VCF-style: chr4-170557129-A-G.
Other names: c.50A>G, p.Asn17Ser (NM_001243372.2, NM_173872.4); short protein forms N17S.
Identifiers: ClinVar variation 3376395 (VCV003376395.1).
Genomic context (GRCh38, chr4:169,635,978, plus strand): 5'-CAGACAGCTAAATGGAGTCTGAGCAGCTGTTCCATAGAGGCTACTATAGAAACAGCTACA[A>G]CAGTATAACAAGTGCAAGTAGTGATGAGGAACTTTTAGATGGAGCAGGTGTTATTATGGA-3'
Protein context (NP_001820.2, residues 7-27): FHRGYYRNSY[Asn17Ser]SITSASSDEE